The following is an entry in ClinVar:

NM_000157.4(GBA1):c.308-2A>G

Genes: GBA1 (glucosylceramidase beta 1; minus strand), LOC106627981 (GBA recombination region; plus strand). Cytogenetic location: 1q22.
Variant type: single nucleotide variant.
Coding change: c.308-2A>G on transcript NM_000157.4 (MANE Select); the canonical splice acceptor site of the intron before coding-DNA position 308, A replaced by G.
Molecular consequence: splice acceptor variant. On other transcripts: intron variant (1).
Genome position (GRCh38, 1-based): chr1:155,239,764, T>C on the plus strand (A>G on the coding strand, the complement: GBA1 is on the minus strand). VCF-style: chr1-155239764-T-C. GRCh37 (hg19) VCF-style: chr1-155209555-T-C.
Other names: c.47-2A>G (NM_001171811.2); c.308-2A>G (NM_001005742.3, NM_001005741.3); c.307+122A>G (NM_001171812.2).
Identifiers: ClinVar variation 4817748 (VCV004817748.1).

ClinVar aggregate classification (germline): Likely pathogenic (1 of 4 stars; one submission).

Conditions:
Gaucher disease. Also called: Acute cerebral Gaucher disease; Cerebroside lipidosis syndrome; Gaucher splenomegaly; Sphingolipidosis 1; Glucocerebrosidosis; Glucosylceramidase deficiency. Identifiers: Orphanet 355, MedGen C0017205, MONDO:0018150.

Submission:

Natera, Inc.
Classification: Likely pathogenic for Gaucher disease. Last evaluated: 2025-11-04. Review status: criteria provided, single submitter. Criteria: Natera Variant Classification Schema (03/2026). Collection method: clinical testing. Allele origin: germline.
Comment: The c.308-2A>G variant in GBA1 is a canonical splice acceptor site variant predicted to affect pre-mRNA splicing, which may result in an abnormal transcript and altered protein product. This variant is expected to result in nonsense mediated decay, truncation, or a dysfunctional protein product. This variant is rare in the general population with a frequency below the threshold expected for the associated phenotype(s). Given the available evidence, this variant is classified as Likely Pathogenic.